The following is an entry in ClinVar:

NM_015046.7(SETX):c.78G>A (p.Pro26=)

Gene: SETX (senataxin; minus strand). Cytogenetic location: 9q34.13.
Variant type: single nucleotide variant.
Coding change: c.78G>A on transcript NM_015046.7 (MANE Select); coding-DNA position 78, G replaced by A.
Protein change: p.Pro26=; no amino-acid change (proline 26 retained).
Molecular consequence: synonymous variant.
Genome position (GRCh38, 1-based): chr9:132,349,351, C>T on the plus strand (G>A on the coding strand, the complement: SETX is on the minus strand). VCF-style: chr9-132349351-C-T. GRCh37 (hg19) VCF-style: chr9-135224738-C-T.
Other names: p.Pro26=; c.78G>A (NM_015046.5); c.78G>A, p.Pro26= (NM_001351527.2, NM_001351528.2).
Identifiers: ClinVar variation 1542758 (VCV001542758.35), dbSNP rs139972421, ClinGen allele CA5298137.

ClinVar aggregate classification (germline): Likely benign. Review status: criteria provided, multiple submitters, no conflicts (2 of 4 stars). 5 submissions from 5 submitters: Likely benign (4). 1 of the submissions does not count toward it. Last evaluated 2025-09-04.

Conditions:
Amyotrophic lateral sclerosis type 4 (ALS4). Also called: AMYOTROPHIC LATERAL SCLEROSIS 4, JUVENILE; NEURONOPATHY, DISTAL HEREDITARY MOTOR, WITH PYRAMIDAL FEATURES. Identifiers: Orphanet 357043, MedGen C1865409, MONDO:0011223, OMIM 602433.
Spinocerebellar ataxia, autosomal recessive, with axonal neuropathy 2 (SCAN2). Also called: Ataxia with Oculomotor Apraxia; Ataxia-ocular apraxia-2; Ataxia with Oculomotor Apraxia Type 2; ATAXIA-OCULOMOTOR APRAXIA 2. Identifiers: Orphanet 64753, MedGen C1853761, MONDO:0018996, OMIM 606002.
SETX-related disorder. Also called: SETX-related condition; SETX-related disorders. Identifiers: MedGen CN239403.

Allele frequency attached by ClinVar (database versions not stated): TOPMed 0.00007; gnomAD exomes 0.00008; ExAC 0.00009; gnomAD 0.00009; ESP Exome Variant Server 0.00015.
gnomAD v4.1: 277 of 1,613,920 alleles (0.017%); highest among the groups gnomAD compares: Non-Finnish European, 0.022%; 1 homozygote.

Submissions (5):

Labcorp Genetics (formerly Invitae), Labcorp
Classification: Likely benign for Amyotrophic lateral sclerosis type 4; Spinocerebellar ataxia, autosomal recessive, with axonal neuropathy 2. Last evaluated: 2025-09-04. Review status: criteria provided, single submitter. Criteria: Invitae Variant Classification Sherloc (09022015). Collection method: clinical testing. Allele origin: germline.

Mayo Clinic Laboratories, Mayo Clinic
Classification: Likely benign. Last evaluated: 2025-03-28. Review status: criteria provided, single submitter. Criteria: ACMG Guidelines, 2015. Collection method: clinical testing. Allele origin: germline. Observed: 3 variant alleles.
Comment: BP4, BP7

Blueprint Genetics
Classification: Likely benign. Last evaluated: 2024-07-17. Review status: criteria provided, single submitter. Criteria: ACMG Guidelines, 2015. Collection method: clinical testing. Allele origin: germline.

CeGaT Center for Human Genetics Tuebingen
Classification: Likely benign. Last evaluated: 2022-09-01. Review status: criteria provided, single submitter. Criteria: CeGaT Center For Human Genetics Tuebingen Variant Classification Criteria Version 2. Collection method: clinical testing. Allele origin: germline. Affected: yes. Observed: 2 variant alleles.
Comment: SETX: BP4, BP7

PreventionGenetics, part of Exact Sciences
Classification: Likely benign for SETX-related condition. Last evaluated: 2024-02-20. Review status: no assertion criteria provided. Collection method: clinical testing. Allele origin: germline. Not counted in ClinVar's aggregate classification.
Comment: This variant is classified as likely benign based on ACMG/AMP sequence variant interpretation guidelines (Richards et al. 2015 PMID: 25741868, with internal and published modifications).